The following is an entry in ClinVar:

NM_001009944.3(PKD1):c.7207G>A (p.Gly2403Arg)

Gene: PKD1 (polycystin 1, transient receptor potential channel interacting; minus strand). Cytogenetic location: 16p13.3.
Variant type: single nucleotide variant.
Coding change: c.7207G>A on transcript NM_001009944.3 (MANE Select); coding-DNA position 7207, G replaced by A.
Protein change: p.Gly2403Arg; replaces glycine 2403 with arginine.
Molecular consequence: missense variant.
Genome position (GRCh38, 1-based): chr16:2,106,807, C>T on the plus strand (G>A on the coding strand, the complement: PKD1 is on the minus strand). VCF-style: chr16-2106807-C-T. GRCh37 (hg19) VCF-style: chr16-2156808-C-T.
Other names: c.7207G>A (NM_000296.3); c.7207G>A, p.Gly2403Arg (NM_000296.4); short protein forms G2403R.
Identifiers: ClinVar variation 2662786 (VCV002662786.2), dbSNP rs1404441554, ClinGen allele CA394371417.

ClinVar aggregate classification (germline): Uncertain significance. Review status: criteria provided, multiple submitters, no conflicts (2 of 4 stars). 2 submissions from 2 submitters: Uncertain significance (2). Last evaluated 2025-11-26.

Conditions:
Inborn genetic diseases. Identifiers: MedGen C0950123, MeSH D030342.

Allele frequency attached by ClinVar (database versions not stated): gnomAD 0.00001.

Submissions (2):

Ambry Genetics
Classification: Uncertain significance for Inborn genetic diseases. Last evaluated: 2025-11-26. Review status: criteria provided, single submitter. Criteria: Ambry Variant Classification Scheme 2023. Collection method: clinical testing. Allele origin: germline.

GeneDx
Classification: Uncertain significance. Last evaluated: 2023-04-10. Review status: criteria provided, single submitter. Criteria: GeneDx Variant Classification Process June 2021. Collection method: clinical testing. Allele origin: germline. Affected: yes.
Comment: Not observed at significant frequency in large population cohorts (gnomAD); In silico analysis supports that this missense variant has a deleterious effect on protein structure/function; Has not been previously published as pathogenic or benign to our knowledge